The following is an entry in ClinVar:

NM_015570.4(AUTS2):c.1858C>T (p.Arg620Trp)

Gene: AUTS2 (activator of transcription and developmental regulator AUTS2; plus strand). Cytogenetic location: 7q11.22.
Variant type: single nucleotide variant.
Coding change: c.1858C>T on transcript NM_015570.4 (MANE Select); coding-DNA position 1858, C replaced by T.
Protein change: p.Arg620Trp; replaces arginine 620 with tryptophan.
Molecular consequence: missense variant. On other transcripts: intron variant (1).
Genome position (GRCh38, 1-based): chr7:70,774,055, C>T. VCF-style: chr7-70774055-C-T. GRCh37 (hg19) VCF-style: chr7-70239041-C-T.
Other names: c.1831-1302C>T (NM_001127231.3); c.1858C>T (NM_015570.2, NM_015570.3); short protein forms R620W.
Identifiers: ClinVar variation 2127961 (VCV002127961.8), dbSNP rs577323013, ClinGen allele CA367669520.
Genomic context (GRCh38, chr7:70,774,055, plus strand): 5'-TCCTAAGTAAGCTGTGGTCTAATTAATTTGTAGACATCCAACCCTATCGATGTCGCTGCT[C>T]GGCCTGGGACAGTCCCACACACTTTACTCCAAAAGGACCCGAGGGTACGTGCAAAGTCAG-3'
Protein context (NP_056385.1, residues 610-630): KTSNPIDVAA[Arg620Trp]PGTVPHTLLQ

ClinVar aggregate classification (germline): Conflicting classifications of pathogenicity. Review status: criteria provided, conflicting classifications (1 of 4 stars). 4 submissions from 4 submitters: Uncertain significance (3); Likely benign (1). Last evaluated 2024-11-19.

Conditions:
Inborn genetic diseases. Identifiers: MedGen C0950123, MeSH D030342.
AUTS2-related disorder. Also called: AUTS2-related condition.

gnomAD v4.1: 8 of 1,614,078 alleles (0.0005%); highest among the groups gnomAD compares: Non-Finnish European, 0.00059%; no homozygotes.

Submissions (4):

GeneDx
Classification: Uncertain significance. Last evaluated: 2024-11-19. Review status: criteria provided, single submitter. Criteria: GeneDx Variant Classification Process June 2021. Collection method: clinical testing. Allele origin: germline. Affected: yes.
Comment: Not observed at significant frequency in large population cohorts (gnomAD); In silico analysis supports that this missense variant has a deleterious effect on protein structure/function; Has not been previously published as pathogenic or benign to our knowledge.

Ambry Genetics
Classification: Uncertain significance for Inborn genetic diseases. Last evaluated: 2024-10-29. Review status: criteria provided, single submitter. Criteria: Ambry Variant Classification Scheme 2023. Collection method: clinical testing. Allele origin: germline.

PreventionGenetics, part of Exact Sciences
Classification: Uncertain significance for AUTS2-related condition. Last evaluated: 2024-10-28. Review status: criteria provided, single submitter. Criteria: ACMG Guidelines, 2015. Collection method: clinical testing. Allele origin: germline.
Comment: The AUTS2 c.1858C>T variant is predicted to result in the amino acid substitution p.Arg620Trp. To our knowledge, this variant has not been reported in the literature or in gnomAD, indicating this variant is rare. At this time, the clinical significance of this variant is uncertain due to the absence of conclusive functional and genetic evidence.

Labcorp Genetics (formerly Invitae), Labcorp
Classification: Likely benign. Last evaluated: 2022-08-16. Review status: criteria provided, single submitter. Criteria: Invitae Variant Classification Sherloc (09022015). Collection method: clinical testing. Allele origin: germline.